The following is an entry in ClinVar:

ClinVar aggregate classification (germline): Likely benign (1 of 4 stars; one submission).

Conditions:
SPTBN1-related disorder. Also called: SPTBN1-related condition.

gnomAD v4.1: 5 of 1,614,068 alleles (0.00031%); highest among the groups gnomAD compares: Non-Finnish European, 0.00042%; no homozygotes.

Submission:

PreventionGenetics, part of Exact Sciences
Classification: Likely benign for SPTBN1-related condition. Last evaluated: 2026-06-28. Review status: criteria provided, single submitter. Criteria: ACMG Guidelines, 2015. Collection method: clinical testing. Allele origin: germline.
Comment: This variant is classified as likely benign based on ACMG/AMP sequence variant interpretation guidelines (Richards et al. 2015 PMID: 25741868, with internal and published modifications).

NM_003128.3(SPTBN1):c.4059G>A (p.Glu1353=)

Gene: SPTBN1 (spectrin beta, non-erythrocytic 1; plus strand). Cytogenetic location: 2p16.2.
Variant type: single nucleotide variant.
Coding change: c.4059G>A on transcript NM_003128.3 (MANE Select); coding-DNA position 4059, G replaced by A.
Protein change: p.Glu1353=; no amino-acid change (glutamic acid 1353 retained).
Molecular consequence: synonymous variant.
Genome position (GRCh38, 1-based): chr2:54,644,376, G>A. VCF-style: chr2-54644376-G-A. GRCh37 (hg19) VCF-style: chr2-54871513-G-A.
Other names: c.4020G>A, p.Glu1340= (NM_178313.3).
Identifiers: ClinVar variation 4979745 (VCV004979745.1).
Genomic context (GRCh38, chr2:54,644,376, plus strand): 5'-TTTCCAGGAAGGAATGCAGCTCATTTCAGAAAAGCCTGAGACGGAAGCTGTGGTGAAGGA[G>A]AAACTCACTGGTTTACATAAAATGTGGGAAGTCCTTGAATCCACTACCCAGACAAAGGCC-3'
Protein context (NP_003119.2, residues 1343-1363): EKPETEAVVK[Glu1353=]KLTGLHKMWE